The following is an entry in ClinVar:

ClinVar aggregate classification (germline): Conflicting classifications of pathogenicity. Review status: criteria provided, conflicting classifications (1 of 4 stars). 6 submissions from 6 submitters: Uncertain significance (1); Benign (3); Likely benign (1). 1 of the submissions does not count toward it. Last evaluated 2026-01-19.

Conditions:
Dystonia 27 (DYT27). Identifiers: Orphanet 464440, MedGen C4225336, MONDO:0014627, OMIM 616411.
Collagen 6-related myopathy. Identifiers: MedGen CN117976, MONDO:0100225.
COL6A3-related disorder. Also called: COL6A3-related disorders; COL6A3-related condition.
Bethlem myopathy 1A. Also called: MYOPATHY, BENIGN CONGENITAL, WITH CONTRACTURES; Bethlem myopathy 1; Bethlem Muscular Dystrophy. Identifiers: Orphanet 610, MedGen CN029274, MONDO:0024530, OMIM 158810.

Allele frequency attached by ClinVar (database versions not stated): gnomAD 0.00032 and 0.00042; TOPMed 0.00068; 1000 Genomes Project 30x 0.00172; 1000 Genomes Project 0.00180.
gnomAD v4.1: 701 of 1,613,984 alleles (0.043%); highest among the groups gnomAD compares: East Asian, 1.3%; 3 homozygotes.

Submissions (6):

Labcorp Genetics (formerly Invitae), Labcorp
Classification: Benign for Bethlem myopathy 1A. Last evaluated: 2026-01-19. Review status: criteria provided, single submitter. Criteria: Invitae Variant Classification Sherloc (09022015). Collection method: clinical testing. Allele origin: germline.

Blueprint Genetics
Classification: Likely benign. Last evaluated: 2024-09-09. Review status: criteria provided, single submitter. Criteria: ACMG Guidelines, 2015. Collection method: clinical testing. Allele origin: germline.

Department of Neurology, Xijing Hospital, Fourth Military Medical University
Classification: Uncertain significance for Dystonia 27. Last evaluated: 2022-10-22. Review status: criteria provided, single submitter. Criteria: ACMG Guidelines, 2015. Collection method: clinical testing. Allele origin: germline.

Illumina Laboratory Services, Illumina
Classification: Benign for Collagen VI-related myopathy. Last evaluated: 2018-01-12. Review status: criteria provided, single submitter. Criteria: ICSL Variant Classification Criteria 13 December 2019. Collection method: clinical testing. Allele origin: germline.
Comment: This variant was observed in the ICSL laboratory as part of a predisposition screen in an ostensibly healthy population. It had not been previously curated by ICSL or reported in the Human Gene Mutation Database (HGMD: prior to June 1st, 2018), and was therefore a candidate for classification through an automated scoring system. Utilizing variant allele frequency, disease prevalence and penetrance estimates, and inheritance mode, an automated score was calculated to assess if this variant is too frequent to cause the disease. Based on the score and internal cut-off values, a variant classified as benign is not then subjected to further curation. The score for this variant resulted in a classification of benign for this disease.

GeneDx
Classification: Benign. Last evaluated: 2017-07-20. Review status: criteria provided, single submitter. Criteria: GeneDx Variant Classification (06012015). Collection method: clinical testing. Allele origin: germline. Affected: yes.
Comment: This variant is considered likely benign or benign based on one or more of the following criteria: it is a conservative change, it occurs at a poorly conserved position in the protein, it is predicted to be benign by multiple in silico algorithms, and/or has population frequency not consistent with disease.

PreventionGenetics, part of Exact Sciences
Classification: Benign for COL6A3-related condition. Last evaluated: 2020-09-23. Review status: no assertion criteria provided. Collection method: clinical testing. Allele origin: germline. Not counted in ClinVar's aggregate classification.
Comment: This variant is classified as benign based on ACMG/AMP sequence variant interpretation guidelines (Richards et al. 2015 PMID: 25741868, with internal and published modifications).

NM_004369.4(COL6A3):c.9148G>A (p.Ala3050Thr)

Gene: COL6A3 (collagen type VI alpha 3 chain; minus strand). Cytogenetic location: 2q37.3.
Variant type: single nucleotide variant.
Coding change: c.9148G>A on transcript NM_004369.4 (MANE Select); coding-DNA position 9148, G replaced by A.
Protein change: p.Ala3050Thr; replaces alanine 3050 with threonine.
Molecular consequence: missense variant.
Genome position (GRCh38, 1-based): chr2:237,334,707, C>T on the plus strand (G>A on the coding strand, the complement: COL6A3 is on the minus strand). VCF-style: chr2-237334707-C-T. GRCh37 (hg19) VCF-style: chr2-238243350-C-T.
Other names: c.7327G>A, p.Ala2443Thr (NM_057166.5); c.8530G>A, p.Ala2844Thr (NM_057167.4); short protein forms A3050T, A2443T, A2844T.
Identifiers: ClinVar variation 335097 (VCV000335097.24), dbSNP rs114596320, ClinGen allele CA2187346.